The following is an entry in ClinVar:

ClinVar aggregate classification (germline): Uncertain significance (1 of 4 stars; one submission).

gnomAD v4.1: 86 of 1,451,608 alleles (0.0059%); highest among the groups gnomAD compares: Non-Finnish European, 0.0077%; 1 homozygote.

Submission:

Labcorp Genetics (formerly Invitae), Labcorp
Classification: Uncertain significance. Last evaluated: 2025-07-29. Review status: criteria provided, single submitter. Criteria: Invitae Variant Classification Sherloc (09022015). Collection method: clinical testing. Allele origin: germline.
Comment: This sequence change falls in intron 3 of the LSR gene. It does not directly change the encoded amino acid sequence of the LSR protein. This variant is present in population databases (rs757193730, gnomAD 0.007%). This variant has not been reported in the literature in individuals affected with LSR-related conditions. Algorithms developed to predict the effect of sequence changes on RNA splicing suggest that this variant may disrupt the consensus splice site. In summary, the available evidence is currently insufficient to determine the role of this variant in disease. Therefore, it has been classified as a Variant of Uncertain Significance.

NM_205834.4(LSR):c.575-9T>G

Gene: LSR (lipolysis stimulated lipoprotein receptor; plus strand). Cytogenetic location: 19q13.12.
Variant type: single nucleotide variant.
Coding change: c.575-9T>G on transcript NM_205834.4 (MANE Select); 9 bases into the intron before coding-DNA position 575, T replaced by G.
Molecular consequence: intron variant.
Genome position (GRCh38, 1-based): chr19:35,261,916, T>G. VCF-style: chr19-35261916-T-G. GRCh37 (hg19) VCF-style: chr19-35752819-T-G.
Other names: c.575-630T>G (NM_015925.7, NM_001260489.2); c.574+2852T>G (NM_205835.4, NM_001385215.1); c.455-4443T>G (NM_001260490.2).
Identifiers: ClinVar variation 4741870 (VCV004741870.1).